The following is an entry in ClinVar:

NM_001365951.3(KIF1B):c.2675+3A>C

Gene: KIF1B (kinesin family member 1B; plus strand). Cytogenetic location: 1p36.22.
Variant type: single nucleotide variant.
Coding change: c.2675+3A>C on transcript NM_001365951.3 (MANE Select); 3 bases into the intron after coding-DNA position 2675, A replaced by C.
Molecular consequence: intron variant.
Genome position (GRCh38, 1-based): chr1:10,324,898, A>C. VCF-style: chr1-10324898-A-C. GRCh37 (hg19) VCF-style: chr1-10384956-A-C.
Other names: c.2537+3A>C (NM_015074.3); c.2675+3A>C (NM_001365952.1).
Identifiers: ClinVar variation 2563642 (VCV002563642.2), dbSNP rs200684032, ClinGen allele CA2580611398.

ClinVar aggregate classification (germline): Uncertain significance (1 of 4 stars; one submission).

Submission:

Ambry Genetics
Classification: Uncertain significance. Last evaluated: 2023-05-22. Review status: criteria provided, single submitter. Criteria: Ambry Variant Classification Scheme 2023. Collection method: clinical testing. Allele origin: germline.
Comment: The c.2537+3A>C intronic variant results from an A to C substitution 3 nucleotides after coding exon 23 in the KIF1B gene. This nucleotide position is well conserved in available vertebrate species. In silico splice site analysis predicts that this alteration will not have any significant effect on splicing. The evidence for this gene-disease relationship is limited; therefore, the clinical significance of this alteration is unclear.